The following is an entry in ClinVar:

NM_001382241.1(TNPO2):c.2102C>T (p.Pro701Leu)

Gene: TNPO2 (transportin 2; minus strand). Cytogenetic location: 19p13.13.
Variant type: single nucleotide variant.
Coding change: c.2102C>T on transcript NM_001382241.1 (MANE Select); coding-DNA position 2102, C replaced by T.
Protein change: p.Pro701Leu; replaces proline 701 with leucine.
Molecular consequence: missense variant. On other transcripts: non-coding transcript variant (6).
Genome position (GRCh38, 1-based): chr19:12,703,722, G>A on the plus strand (C>T on the coding strand, the complement: TNPO2 is on the minus strand). VCF-style: chr19-12703722-G-A. GRCh37 (hg19) VCF-style: chr19-12814536-G-A.
Other names: c.2102C>T, p.Pro701Leu (NM_001136195.2, NM_001136196.2, NM_001382236.1 and 7 more transcripts); short protein forms P701L.
Identifiers: ClinVar variation 5017831 (VCV005017831.1).

ClinVar aggregate classification (germline): Uncertain significance (1 of 4 stars; one submission).

gnomAD v4.1: 1 of 1,608,346 alleles (0.000062%); no homozygotes.

Submission:

GeneDx
Classification: Uncertain significance. Last evaluated: 2026-04-08. Review status: criteria provided, single submitter. Criteria: GeneDx Variant Classification Process June 2021. Collection method: clinical testing. Allele origin: germline.
Comment: Not observed at significant frequency in large population cohorts (gnomAD); In silico analysis supports that this missense variant has a deleterious effect on protein structure/function; Has not been previously published as pathogenic or benign to our knowledge